The following is an entry in ClinVar:

NM_001374828.1(ARID1B):c.7007C>T (p.Ser2336Leu)

Gene: ARID1B (AT-rich interaction domain 1B; plus strand). Cytogenetic location: 6q25.3.
Variant type: single nucleotide variant.
Coding change: c.7007C>T on transcript NM_001374828.1 (MANE Select); coding-DNA position 7007, C replaced by T.
Protein change: p.Ser2336Leu; replaces serine 2336 with leucine.
Molecular consequence: missense variant.
Genome position (GRCh38, 1-based): chr6:157,207,779, C>T. VCF-style: chr6-157207779-C-T. GRCh37 (hg19) VCF-style: chr6-157528913-C-T.
Other names: c.4508C>T, p.Ser1503Leu (NM_001363725.2); c.6887C>T, p.Ser2296Leu (NM_001371656.1, NM_001374820.1); c.6848C>T, p.Ser2283Leu (NM_017519.3); c.6638C>T (NM_020732.3); short protein forms S1503L, S2283L, S2296L, S2336L.
Identifiers: ClinVar variation 3777330 (VCV003777330.1).
Genomic context (GRCh38, chr6:157,207,779, plus strand): 5'-ACATGATGTGCAGGGCGGCCAAGGCTTTGCTAGCCATGGCCAGAGTGGACGAAAACCGCT[C>T]GGAATTCCTTTTGCACGAGGGCCGGTTGCTGGATATCTCGATATCAGCTGTCCTGAACTC-3'
Protein context (NP_001361757.1, residues 2326-2346): LAMARVDENR[Ser2336Leu]EFLLHEGRLL

ClinVar aggregate classification (germline): Uncertain significance (1 of 4 stars; one submission).

gnomAD v4.1: 1 of 1,568,498 alleles (0.000064%); highest among the groups gnomAD compares: Non-Finnish European, 0.000087%; no homozygotes.

Submission:

GeneDx
Classification: Uncertain significance. Last evaluated: 2024-10-11. Review status: criteria provided, single submitter. Criteria: GeneDx Variant Classification Process June 2021. Collection method: clinical testing. Allele origin: germline. Affected: yes.
Comment: In silico analysis supports that this missense variant has a deleterious effect on protein structure/function; Has not been previously published as pathogenic or benign to our knowledge